The following is an entry in ClinVar:

NM_001378454.1(ALMS1):c.11584T>C (p.Ser3862Pro)

Gene: ALMS1 (ALMS1 centrosome and basal body associated protein; plus strand). Cytogenetic location: 2p13.1.
Variant type: single nucleotide variant.
Coding change: c.11584T>C on transcript NM_001378454.1 (MANE Select); coding-DNA position 11584, T replaced by C.
Protein change: p.Ser3862Pro; replaces serine 3862 with proline.
Molecular consequence: missense variant.
Genome position (GRCh38, 1-based): chr2:73,599,437, T>C. VCF-style: chr2-73599437-T-C. GRCh37 (hg19) VCF-style: chr2-73826564-T-C.
Other names: c.11581T>C (NM_015120.4); c.11587T>C, p.Ser3863Pro (NM_015120.4); short protein forms S3863P, S3862P.
Identifiers: ClinVar variation 423980 (VCV000423980.23), dbSNP rs202227966, ClinGen allele CA1715252.

ClinVar aggregate classification (germline): Conflicting classifications of pathogenicity. Review status: criteria provided, conflicting classifications (1 of 4 stars). 7 submissions from 7 submitters: Uncertain significance (5); Likely benign (1). 1 of the submissions does not count toward it. Last evaluated 2026-01-06.

Conditions:
Alstrom syndrome (ALMS). Identifiers: Orphanet 64, MedGen C0268425, MONDO:0008763, OMIM 203800.
Cardiovascular phenotype. Identifiers: MedGen CN230736.

Allele frequency attached by ClinVar (database versions not stated): gnomAD exomes 0.00005 and 0.00012; ExAC 0.00013; ESP Exome Variant Server 0.00051; gnomAD 0.00052 and 0.00058; TOPMed 0.00053; 1000 Genomes Project 0.00100; 1000 Genomes Project 30x 0.00109.
gnomAD v4.1: 158 of 1,613,526 alleles (0.0098%); highest among the groups gnomAD compares: African/African-American, 0.2%; no homozygotes.

Submissions (7):

GeneDx
Classification: Uncertain significance. Last evaluated: 2026-01-06. Review status: criteria provided, single submitter. Criteria: GeneDx Variant Classification Process June 2021. Collection method: clinical testing. Allele origin: germline. Affected: yes.
Comment: In silico analysis suggests that this missense variant does not alter protein structure/function; Has not been previously published as pathogenic or benign to our knowledge

Women's Health and Genetics/Laboratory Corporation of America, LabCorp
Classification: Uncertain significance. Last evaluated: 2025-02-10. Review status: criteria provided, single submitter. Criteria: LabCorp Variant Classification Summary - May 2015. Collection method: clinical testing. Allele origin: germline.
Comment: Variant summary: ALMS1 c.11581T>C (p.Ser3861Pro) results in a non-conservative amino acid change in the encoded protein sequence. Three of four in-silico tools predict a benign effect of the variant on protein function. The variant allele was found at a frequency of 0.00012 in 249020 control chromosomes, predominantly at a frequency of 0.0018 within the African or African-American subpopulation in the gnomAD database. This frequency is not significantly higher than estimated for a pathogenic variant in ALMS1 causing Cardiomyopathy (0.00012 vs 0.0022), allowing no conclusion about variant significance. To our knowledge, no occurrence of c.11581T>C in individuals affected with Cardiomyopathy or Almstrom syndrome and no experimental evidence demonstrating its impact on protein function have been reported. ClinVar contains an entry for this variant (Variation ID: 423980). Based on the evidence outlined above, the variant was classified as uncertain significance.

Blueprint Genetics
Classification: Uncertain significance. Last evaluated: 2023-11-10. Review status: criteria provided, single submitter. Criteria: ACMG Guidelines, 2015. Collection method: clinical testing. Allele origin: germline.

Labcorp Genetics (formerly Invitae), Labcorp
Classification: Uncertain significance for Alstrom syndrome. Last evaluated: 2022-11-01. Review status: criteria provided, single submitter. Criteria: Invitae Variant Classification Sherloc (09022015). Collection method: clinical testing. Allele origin: germline.
Comment: This sequence change replaces serine, which is neutral and polar, with proline, which is neutral and non-polar, at codon 3863 of the ALMS1 protein (p.Ser3863Pro). This variant is present in population databases (rs202227966, gnomAD 0.2%). This variant has not been reported in the literature in individuals affected with ALMS1-related conditions. ClinVar contains an entry for this variant (Variation ID: 423980). Experimental studies and prediction algorithms are not available or were not evaluated, and the functional significance of this variant is currently unknown. In summary, the available evidence is currently insufficient to determine the role of this variant in disease. Therefore, it has been classified as a Variant of Uncertain Significance.

Ambry Genetics
Classification: Likely benign for Cardiovascular phenotype. Last evaluated: 2021-12-09. Review status: criteria provided, single submitter. Criteria: Ambry Variant Classification Scheme 2023. Collection method: clinical testing. Allele origin: germline.

Laboratory for Molecular Medicine, Mass General Brigham Personalized Medicine
Classification: Uncertain significance. Last evaluated: 2018-09-17. Review status: criteria provided, single submitter. Criteria: LMM Criteria. Collection method: clinical testing. Allele origin: germline. Observed: 1 variant allele.
Comment: The p.Ser3863Pro variant in ALMS1 has not been previously reported in individual s with hearing loss or Alstrom syndrome but has been identified in 0.18% (44/240 14) of African chromosomes by the Genome Aggregation Database (gnomAD). This variant has been reported in ClinVar (Variation ID 406025). Computational prediction tools and conservation analysis do not prov ide strong support for or against an impact to the protein. In summary, the clin ical significance of the p.Ser3863Pro variant is uncertain. ACMG/AMP Criteria ap plied: BS1_Supporting.

Natera, Inc.
Classification: Uncertain significance for Alstrom syndrome. Last evaluated: 2021-03-04. Review status: no assertion criteria provided. Collection method: clinical testing. Allele origin: germline. Not counted in ClinVar's aggregate classification.